The following is an entry in ClinVar:

ClinVar aggregate classification (germline): Uncertain significance (1 of 4 stars; one submission).

Submission:

GeneDx
Classification: Uncertain significance. Last evaluated: 2020-09-21. Review status: criteria provided, single submitter. Criteria: GeneDx Variant Classification Process June 2021. Collection method: clinical testing. Allele origin: germline. Affected: yes.
Comment: Describes an intronic nucleotide substitution upstream of the ATG translational start site of the POLH gene; Not observed in large population cohorts (Lek 2016); In-silico analysis, which includes splice predictors and evolutionary conservation, is inconclusive as to whether the variant alters gene splicing. In the absence of RNA/functional studies, the actual effect of this sequence change is unknown.; Has not been previously published as pathogenic or benign to our knowledge

NM_006502.3(POLH):c.-4-3C>T

Gene: POLH (DNA polymerase eta; plus strand). Cytogenetic location: 6p21.1.
Variant type: single nucleotide variant.
Coding change: c.-4-3C>T on transcript NM_006502.3 (MANE Select); 3 bases into the intron before 4 bases upstream of the start codon, C replaced by T.
Molecular consequence: intron variant.
Genome position (GRCh38, 1-based): chr6:43,582,313, C>T. VCF-style: chr6-43582313-C-T. GRCh37 (hg19) VCF-style: chr6-43550050-C-T.
Other names: c.-4-3C>T (NM_001291970.2); c.-17-694C>T (NM_001291969.2).
Identifiers: ClinVar variation 1313195 (VCV001313195.4), dbSNP rs2127773035, ClinGen allele CA2573052691.
Genomic context (GRCh38, chr6:43,582,313, plus strand): 5'-CAGTTTTCCCTGGCATTTTGGATTAGGTGTTTTTCTAACTGTCCATAAAATGTTGTGTTA[C>T]AGAAAAATGGCTACTGGACAGGATCGAGTGGTTGCTCTCGTGGACATGGACTGTTTTTTT-3'